The following is an entry in ClinVar:

ClinVar aggregate classification (germline): Uncertain significance. Review status: criteria provided, multiple submitters, no conflicts (2 of 4 stars). 2 submissions from 2 submitters: Uncertain significance (2). Last evaluated 2024-10-28.

Conditions:
Brugada syndrome 8 (BRGDA8). Identifiers: Orphanet 130, MedGen C2751083, MONDO:0013148, OMIM 613123.
Cardiovascular phenotype. Identifiers: MedGen CN230736.

Allele frequency attached by ClinVar (database versions not stated): gnomAD exomes below 0.00001; ExAC 0.00001; gnomAD 0.00001; TOPMed 0.00001.
gnomAD v4.1: 7 of 1,612,442 alleles (0.00043%); highest among the groups gnomAD compares: East Asian, 0.0022%; no homozygotes.

Submissions (2):

Labcorp Genetics (formerly Invitae), Labcorp
Classification: Uncertain significance for Brugada syndrome 8. Last evaluated: 2024-10-28. Review status: criteria provided, single submitter. Criteria: Invitae Variant Classification Sherloc (09022015). Collection method: clinical testing. Allele origin: germline.
Comment: This sequence change replaces arginine, which is basic and polar, with cysteine, which is neutral and slightly polar, at codon 713 of the HCN4 protein (p.Arg713Cys). This variant is present in population databases (rs758371313, gnomAD 0.0009%). This variant has not been reported in the literature in individuals affected with HCN4-related conditions. ClinVar contains an entry for this variant (Variation ID: 404121). Invitae Evidence Modeling of protein sequence and biophysical properties (such as structural, functional, and spatial information, amino acid conservation, physicochemical variation, residue mobility, and thermodynamic stability) indicates that this missense variant is expected to disrupt HCN4 protein function with a positive predictive value of 95%. In summary, the available evidence is currently insufficient to determine the role of this variant in disease. Therefore, it has been classified as a Variant of Uncertain Significance.

Ambry Genetics
Classification: Uncertain significance for Cardiovascular phenotype. Last evaluated: 2023-01-18. Review status: criteria provided, single submitter. Criteria: Ambry Variant Classification Scheme 2023. Collection method: clinical testing. Allele origin: germline.

NM_005477.3(HCN4):c.2137C>T (p.Arg713Cys)

Gene: HCN4 (hyperpolarization activated cyclic nucleotide gated potassium channel 4; minus strand). Cytogenetic location: 15q24.1.
Variant type: single nucleotide variant.
Coding change: c.2137C>T on transcript NM_005477.3 (MANE Select); coding-DNA position 2137, C replaced by T.
Protein change: p.Arg713Cys; replaces arginine 713 with cysteine.
Molecular consequence: missense variant.
Genome position (GRCh38, 1-based): chr15:73,324,095, G>A on the plus strand (C>T on the coding strand, the complement: HCN4 is on the minus strand). VCF-style: chr15-73324095-G-A. GRCh37 (hg19) VCF-style: chr15-73616436-G-A.
Other names: short protein forms R713C.
Identifiers: ClinVar variation 404121 (VCV000404121.10), dbSNP rs758371313, ClinGen allele CA7649121.